The following is an entry in ClinVar:

NM_006393.3(NEBL):c.2959A>G (p.Ile987Val)

Gene: NEBL (nebulette; minus strand). Cytogenetic location: 10p12.31.
Variant type: single nucleotide variant.
Coding change: c.2959A>G on transcript NM_006393.3 (MANE Select); coding-DNA position 2959, A replaced by G.
Protein change: p.Ile987Val; replaces isoleucine 987 with valine.
Molecular consequence: missense variant. On other transcripts: 3 prime UTR variant (1).
Genome position (GRCh38, 1-based): chr10:20,785,833, T>C on the plus strand (A>G on the coding strand, the complement: NEBL is on the minus strand). VCF-style: chr10-20785833-T-C. GRCh37 (hg19) VCF-style: chr10-21074762-T-C.
Other names: c.*50A>G (NM_001173484.2); c.820A>G, p.Ile274Val (NM_001377322.1); c.679A>G, p.Ile227Val (NM_001377323.1); c.670A>G, p.Ile224Val (NM_001377324.1); c.661A>G, p.Ile221Val (NM_001377325.1); c.619A>G, p.Ile207Val (NM_001377326.1, NM_001377327.1, NM_001377328.1); c.727A>G, p.Ile243Val (NM_213569.2); short protein forms I243V, I987V, I207V, I221V, I224V, I227V, I274V.
Identifiers: ClinVar variation 240651 (VCV000240651.12), dbSNP rs746298728, ClinGen allele CA5432262.
Genomic context (GRCh38, chr10:20,785,833, plus strand): 5'-CTGGGAGCATTCCTGTTCTCCCTGTTCTCTGCACTGTGCCGTACATCCAGCCATCGTCAA[T>C]AGGCTGCACGTTGACGATGTAGTCGCCGTCTCTAAAGGAGACCTCGTCTTCATCCTGGGC-3'
Protein context (NP_006384.1, residues 977-997): DGDYIVNVQP[Ile987Val]DDGWMYGTVQ

ClinVar aggregate classification (germline): Uncertain significance. Review status: criteria provided, multiple submitters, no conflicts (2 of 4 stars). 2 submissions from 2 submitters: Uncertain significance (2). Last evaluated 2024-12-07.

Conditions:
Primary dilated cardiomyopathy (DCM). Also called: Dilated Cardiomyopathy. Identifiers: Orphanet 217604, MedGen C0007193, MeSH D002311, MONDO:0005021, HP:0001644. Inheritance: Various modes of inheritance.

Allele frequency attached by ClinVar (database versions not stated): ExAC 0.00001; gnomAD 0.00001; gnomAD exomes 0.00001 and 0.00002; TOPMed 0.00002.
gnomAD v4.1: 14 of 1,613,858 alleles (0.00087%); highest among the groups gnomAD compares: Admixed American, 0.005%; no homozygotes.

Submissions (2):

Ambry Genetics
Classification: Uncertain significance. Last evaluated: 2024-12-07. Review status: criteria provided, single submitter. Criteria: Ambry Variant Classification Scheme 2023. Collection method: clinical testing. Allele origin: germline.

Labcorp Genetics (formerly Invitae), Labcorp
Classification: Uncertain significance for Primary dilated cardiomyopathy. Last evaluated: 2022-11-28. Review status: criteria provided, single submitter. Criteria: Invitae Variant Classification Sherloc (09022015). Collection method: clinical testing. Allele origin: germline.
Comment: This sequence change replaces isoleucine, which is neutral and non-polar, with valine, which is neutral and non-polar, at codon 987 of the NEBL protein (p.Ile987Val). This variant is present in population databases (rs746298728, gnomAD 0.009%). This variant has not been reported in the literature in individuals affected with NEBL-related conditions. ClinVar contains an entry for this variant (Variation ID: 240651). Algorithms developed to predict the effect of missense changes on protein structure and function (SIFT, PolyPhen-2, Align-GVGD) all suggest that this variant is likely to be disruptive. In summary, the available evidence is currently insufficient to determine the role of this variant in disease. Therefore, it has been classified as a Variant of Uncertain Significance.